The following is an entry in ClinVar:

NM_000179.3(MSH6):c.3529C>G (p.Leu1177Val)

Gene: MSH6 (mutS homolog 6; plus strand). Cytogenetic location: 2p16.3.
Variant type: single nucleotide variant.
Coding change: c.3529C>G on transcript NM_000179.3 (MANE Select); coding-DNA position 3529, C replaced by G.
Protein change: p.Leu1177Val; replaces leucine 1177 with valine.
Molecular consequence: missense variant.
Genome position (GRCh38, 1-based): chr2:47,805,000, C>G. VCF-style: chr2-47805000-C-G. GRCh37 (hg19) VCF-style: chr2-48032139-C-G.
Other names: c.3139C>G, p.Leu1047Val (NM_001281492.2); c.2623C>G, p.Leu875Val (NM_001281493.2, NM_001281494.2); short protein forms L1177V, L875V, L1047V.
Identifiers: ClinVar variation 410425 (VCV000410425.24), dbSNP rs748398941, ClinGen allele CA071122.
Genomic context (GRCh38, chr2:47,805,000, plus strand): 5'-GGTTGTTACGTCCCTGCTGAAGTGTGCAGGCTCACACCAATTGATAGAGTGTTTACTAGA[C>G]TTGGTGCCTCAGACAGAATAATGTCAGGTGAGTTTTTTGTTTCCCACTTAAGTTCTCATT-3'
Protein context (NP_000170.1, residues 1167-1187): LTPIDRVFTR[Leu1177Val]GASDRIMSGE

ClinVar aggregate classification (germline): Conflicting classifications of pathogenicity. Review status: criteria provided, conflicting classifications (1 of 4 stars). 8 submissions from 8 submitters: Uncertain significance (6); Likely benign (1). 1 of the submissions does not count toward it. Last evaluated 2026-01-18.

Conditions:
Hereditary cancer-predisposing syndrome. Also called: Tumor predisposition; Hereditary Cancer Syndrome; Hereditary neoplastic syndrome; Neoplastic Syndromes, Hereditary. Identifiers: Orphanet 140162, MedGen C0027672, MeSH D009386, MONDO:0015356.
Lynch syndrome. Identifiers: Orphanet 144, MedGen C4552100, MONDO:0005835. Disease mechanism: loss of function.
Lynch syndrome 5 (LYNCH5). Also called: Hereditary non-polyposis colorectal cancer, type 5; Colorectal cancer, hereditary nonpolyposis, type 5. Identifiers: Orphanet 144, MedGen C1833477, MONDO:0013710, OMIM 614350. Disease mechanism: loss of function.
Hereditary nonpolyposis colorectal neoplasms. Identifiers: MedGen C0009405, MeSH D003123.
Endometrial carcinoma. Also called: Endometrial carcinoma, somatic. Identifiers: MedGen C0476089, MONDO:0002447, OMIM 608089, HP:0012114.

Allele frequency attached by ClinVar (database versions not stated): gnomAD exomes 0.00001; TOPMed 0.00001; ExAC 0.00002.
gnomAD v4.1: 7 of 1,613,632 alleles (0.00043%); highest among the groups gnomAD compares: East Asian, 0.016%; no homozygotes.

Submissions (8):

Labcorp Genetics (formerly Invitae), Labcorp
Classification: Likely benign for Hereditary nonpolyposis colorectal neoplasms. Last evaluated: 2026-01-18. Review status: criteria provided, single submitter. Criteria: Invitae Variant Classification Sherloc (09022015). Collection method: clinical testing. Allele origin: germline.

Ambry Genetics
Classification: Uncertain significance for Hereditary cancer-predisposing syndrome. Last evaluated: 2025-10-16. Review status: criteria provided, single submitter. Criteria: Ambry Variant Classification Scheme 2023. Collection method: clinical testing. Allele origin: germline.
Comment: The p.L1177V variant (also known as c.3529C>G), located in coding exon 6 of the MSH6 gene, results from a C to G substitution at nucleotide position 3529. The leucine at codon 1177 is replaced by valine, an amino acid with highly similar properties. This variant was present with a carrier frequency of 0.00299 in 1005 Japanese pancreatic cancer patients and with a carrier frequency of 0.00025 in 23705 controls (Mizukami K et al. EBioMedicine, 2020 Oct;60:103033). This alteration was also identified in an individual diagnosed with an upper tract urothelial carcinoma (Guan B et al. Front Oncol, 2022 Mar;12:774202). This amino acid position is highly conserved in available vertebrate species. In addition, the in silico prediction for this alteration is inconclusive. Since supporting evidence is limited at this time, the clinical significance of this alteration remains unclear.

Color Diagnostics, LLC DBA Color Health
Classification: Uncertain significance for Hereditary cancer-predisposing syndrome. Last evaluated: 2025-02-24. Review status: criteria provided, single submitter. Criteria: ACMG Guidelines, 2015. Collection method: clinical testing. Allele origin: germline.
Comment: This missense variant replaces leucine with valine at codon 1177 of the MSH6 protein. Computational prediction is inconclusive regarding the impact of this variant on protein structure and function. To our knowledge, functional studies have not been reported for this variant. This variant has been reported in an individual affected with urothelial carcinoma and suspected of Lynch syndrome (PMID: 35372080). Additionally, in a pancreatic cancer case-control study this variant has been reported in 3/1005 cases and 6/23705 unaffected controls (PMID: 32980694), and in a large breast cancer case-control study this variant has been reported in 1/60466 cases and 6/53461 unaffected controls (PMID: 33471991). This variant has been identified in 3/251246 chromosomes in the general population by the Genome Aggregation Database (gnomAD) with all three variant alleles detected in the East Asian population. The available evidence is insufficient to determine the role of this variant in disease conclusively. Therefore, this variant is classified as a Variant of Uncertain Significance.

Baylor Genetics
Classification: Uncertain significance for Endometrial carcinoma. Last evaluated: 2023-09-25. Review status: criteria provided, single submitter. Criteria: ACMG Guidelines, 2015. Collection method: clinical testing. Allele origin: unknown.

All of Us Research Program, National Institutes of Health
Classification: Uncertain significance for Lynch syndrome. Last evaluated: 2023-07-22. Review status: criteria provided, single submitter. Criteria: ACMG Guidelines, 2015. Collection method: clinical testing. Allele origin: germline. Inheritance: Autosomal dominant inheritance. Observed: 1 variant allele, 1 heterozygote.
Comment: This missense variant replaces leucine with valine at codon 1177 of the MSH6 protein. Computational prediction is inconclusive regarding the impact of this variant on protein structure and function (internally defined REVEL score threshold 0.5 < inconclusive < 0.7, PMID: 27666373). To our knowledge, functional studies have not been reported for this variant. This variant has been reported in an individual affected with urothelial carcinoma and suspected of Lynch syndrome (PMID: 35372080). Additionally, in a pancreatic cancer case-control study this variant has been reported in 3/1005 cases and 6/23705 unaffected controls (PMID: 32980694), and in a large breast cancer case-control study this variant has been reported in 1/60466 cases and 6/53461 unaffected controls (PMID: 33471991). This variant has been identified in 3/251246 chromosomes in the general population by the Genome Aggregation Database (gnomAD) with all three variant alleles detected in the East Asian population. The available evidence is insufficient to determine the role of this variant in disease conclusively. Therefore, this variant is classified as a Variant of Uncertain Significance.

This study involves interpretation of variants in research participants for the purpose of population health screening. Participant phenotype was not available at the time of variant classification. Additional details can be found in publication PMID: 35346344, PMCID: PMC8962531

Myriad Genetics, Inc.
Classification: Uncertain significance for Lynch syndrome 5. Last evaluated: 2023-03-27. Review status: criteria provided, single submitter. Criteria: Myriad Autosomal Dominant, Autosomal Recessive and X-Linked Classification Criteria (2023). Collection method: clinical testing. Allele origin: unknown.
Comment: This variant is classified as a variant of uncertain significance as there is insufficient evidence to determine its impact on protein function and/or cancer risk.

GeneDx
Classification: Uncertain significance. Last evaluated: 2017-05-25. Review status: criteria provided, single submitter. Criteria: GeneDx Variant Classification (06012015). Collection method: clinical testing. Allele origin: germline. Affected: yes.
Comment: This variant is denoted MSH6 c.3529C>G at the cDNA level, p.Leu1177Val (L1177V) at the protein level, and results in the change of a Leucine to a Valine (CTT>GTT). This variant has not, to our knowledge, been published in the literature as a germline variant; however, it has been reported as a somatic variant in a breast tumor (Gellert 2016). MSH6 Leu1177Val was not observed at a significant allele frequency in large population cohorts (NHLBI Exome Sequencing Project, The 1000 Genomes Consortium 2015, Lek 2016). Since Leucine and Valine share similar properties, this is considered a conservative amino acid substitution. MSH6 Leu1177Val occurs at a position that is conserved across species and is located in the ATPase domain (Warren 2007, Kansikas 2011). In silico analyses are inconsistent regarding the effect this variant may have on protein structure and function. Based on currently available evidence, it is unclear whether MSH6 Leu1177Val is a pathogenic or benign variant. We consider it to be a variant of uncertain significance.

Counsyl
Classification: Uncertain significance for Lynch syndrome 5. Last evaluated: 2018-02-09. Review status: no assertion criteria provided. Collection method: clinical testing. Allele origin: unknown. Not counted in ClinVar's aggregate classification.

Literature cited by the submitters: PubMed 32980694 (cited by 3 submitters); PubMed 33471991 (cited by 3 submitters); PubMed 35372080 (cited by 3 submitters).